The following is an entry in ClinVar:

NM_001014437.3(CARS1):c.288T>G (p.Arg96=)

Gene: CARS1 (cysteinyl-tRNA synthetase 1; minus strand). Cytogenetic location: 11p15.4.
Variant type: single nucleotide variant.
Coding change: c.288T>G on transcript NM_001014437.3 (MANE Select); coding-DNA position 288, T replaced by G.
Protein change: p.Arg96=; no amino-acid change (arginine 96 retained).
Molecular consequence: synonymous variant. On other transcripts: 5 prime UTR variant (3), non-coding transcript variant (4).
Genome position (GRCh38, 1-based): chr11:3,042,243, A>C on the plus strand (T>G on the coding strand, the complement: CARS1 is on the minus strand). VCF-style: chr11-3042243-A-C. GRCh37 (hg19) VCF-style: chr11-3063473-A-C.
Other names: c.288T>G, p.Arg96= (NM_001194997.2); c.78T>G, p.Arg26= (NM_001378136.1); c.-39T>G (NM_001378137.1, NM_001378138.1, NM_001378139.1); c.39T>G, p.Arg13= (NM_001751.6, NM_139273.4).
Identifiers: ClinVar variation 3035878 (VCV003035878.6), dbSNP rs752811700, ClinGen allele CA5824453.

ClinVar aggregate classification (germline): Likely benign. Review status: criteria provided, single submitter (1 of 4 stars). 2 submissions from 2 submitters: Likely benign (1). 1 of the submissions does not count toward it. Last evaluated 2026-01-01.

Conditions:
CARS1-related disorder. Also called: CARS1-related condition.

Allele frequency attached by ClinVar (database versions not stated): gnomAD 0.00009; TOPMed 0.00011; ExAC 0.00018.
gnomAD v4.1: 167 of 1,612,334 alleles (0.01%); highest among the groups gnomAD compares: Middle Eastern, 0.082%; no homozygotes.

Submissions (2):

CeGaT Center for Human Genetics Tuebingen
Classification: Likely benign. Last evaluated: 2026-01-01. Review status: criteria provided, single submitter. Criteria: CeGaT Center For Human Genetics Tuebingen Variant Classification Criteria Version 2. Collection method: clinical testing. Allele origin: germline. Affected: yes. Observed: 1 variant allele.
Comment: CARS1: BP4, BP7

PreventionGenetics, part of Exact Sciences
Classification: Likely benign for CARS1-related condition. Last evaluated: 2023-06-13. Review status: no assertion criteria provided. Collection method: clinical testing. Allele origin: germline. Not counted in ClinVar's aggregate classification.
Comment: This variant is classified as likely benign based on ACMG/AMP sequence variant interpretation guidelines (Richards et al. 2015 PMID: 25741868, with internal and published modifications).